The following is an entry in ClinVar:

NM_022489.4(INF2):c.3208C>T (p.Arg1070Trp)

Gene: INF2 (inverted formin 2; plus strand). Cytogenetic location: 14q32.33.
Variant type: single nucleotide variant.
Coding change: c.3208C>T on transcript NM_022489.4 (MANE Select); coding-DNA position 3208, C replaced by T.
Protein change: p.Arg1070Trp; replaces arginine 1070 with tryptophan.
Molecular consequence: missense variant. On other transcripts: non-coding transcript variant (1).
Genome position (GRCh38, 1-based): chr14:104,714,370, C>T. VCF-style: chr14-104714370-C-T. GRCh37 (hg19) VCF-style: chr14-105180707-C-T.
Other names: c.3208C>T, p.Arg1070Trp (NM_001031714.4, NM_001426862.1, NM_001426863.1 and 2 more transcripts); c.3208C>T (NM_022489.3); short protein forms R1070W.
Identifiers: ClinVar variation 3576472 (VCV003576472.2).

ClinVar aggregate classification (germline): Uncertain significance. Review status: criteria provided, multiple submitters, no conflicts (2 of 4 stars). 2 submissions from 2 submitters: Uncertain significance (2). Last evaluated 2026-01-17.

Conditions:
Charcot-Marie-Tooth disease dominant intermediate E. Also called: CHARCOT-MARIE-TOOTH NEUROPATHY WITH FOCAL SEGMENTAL GLOMERULONEPHRITIS. Identifiers: Orphanet 93114, MedGen C4302667, MONDO:0013758, OMIM 614455.
Focal segmental glomerulosclerosis 5 (FSGS5). Identifiers: Orphanet 656, MedGen C2750475, MONDO:0013191, OMIM 613237.
INF2-related disorder. Also called: INF2-related condition.

gnomAD v4.1: 10 of 1,596,774 alleles (0.00063%); highest among the groups gnomAD compares: African/African-American, 0.0067%; no homozygotes.

Submissions (2):

PreventionGenetics, part of Exact Sciences
Classification: Uncertain significance for INF2-related condition. Last evaluated: 2026-01-17. Review status: criteria provided, single submitter. Criteria: ACMG Guidelines, 2015. Collection method: clinical testing. Allele origin: germline.
Comment: The INF2 c.3208C>T variant is predicted to result in the amino acid substitution p.Arg1070Trp. To our knowledge, this variant has not been reported in the literature. This variant is reported in 0.0081% of alleles in individuals of African descent in gnomAD. At this time, the clinical significance of this variant is uncertain due to the absence of conclusive functional and genetic evidence.

Fulgent Genetics
Classification: Uncertain significance for Focal segmental glomerulosclerosis 5; Charcot-Marie-Tooth disease dominant intermediate E. Last evaluated: 2024-05-16. Review status: criteria provided, single submitter. Criteria: ACMG Guidelines, 2015. Collection method: clinical testing. Allele origin: germline.